The following is an entry in ClinVar:

NM_001267550.2(TTN):c.106108A>G (p.Thr35370Ala)

Genes: TTN-AS1 (TTN antisense RNA 1; plus strand), TTN (titin; minus strand), LOC129935182 (ATAC-STARR-seq lymphoblastoid active region 16807; plus strand). Cytogenetic location: 2q31.2.
Variant type: single nucleotide variant.
Coding change: c.106108A>G on transcript NM_001267550.2 (MANE Select); coding-DNA position 106108, A replaced by G.
Protein change: p.Thr35370Ala; replaces threonine 35370 with alanine.
Molecular consequence: missense variant.
Genome position (GRCh38, 1-based): chr2:178,530,507, T>C on the plus strand (A>G on the coding strand, the complement: TTN is on the minus strand). VCF-style: chr2-178530507-T-C. GRCh37 (hg19) VCF-style: chr2-179395234-T-C.
Other names: p.Thr33729Ala; c.101185A>G, p.Thr33729Ala (NM_001256850.1); c.78913A>G, p.Thr26305Ala (NM_003319.4); c.98404A>G, p.Thr32802Ala (NM_133378.4); c.79288A>G, p.Thr26430Ala (NM_133432.3); c.79489A>G, p.Thr26497Ala (NM_133437.4); short protein forms T26305A, T35370A, T26430A, T26497A, T32802A, T33729A.
Identifiers: ClinVar variation 1761050 (VCV001761050.6), dbSNP rs910216145, ClinGen allele CA60953427.

ClinVar aggregate classification (germline): Uncertain significance. Review status: criteria provided, multiple submitters, no conflicts (2 of 4 stars). 3 submissions from 3 submitters: Uncertain significance (3). Last evaluated 2025-12-22.

Conditions:
Autosomal recessive limb-girdle muscular dystrophy type 2J (LGMDR10). Also called: Limb-girdle muscular dystrophy, type 2J; MUSCULAR DYSTROPHY, LIMB-GIRDLE, AUTOSOMAL RECESSIVE 10. Identifiers: Orphanet 140922, MedGen C1837342, MONDO:0012127, OMIM 608807.
Dilated cardiomyopathy 1G (CMD1G). Identifiers: Orphanet 154, MedGen C1858763, MONDO:0011400, OMIM 604145.
Cardiovascular phenotype. Identifiers: MedGen CN230736.

Allele frequency attached by ClinVar (database versions not stated): gnomAD exomes below 0.00001; TOPMed below 0.00001; gnomAD 0.00001.
gnomAD v4.1: 6 of 1,613,854 alleles (0.00037%); highest among the groups gnomAD compares: Non-Finnish European, 0.00051%; no homozygotes.

Submissions (3):

Labcorp Genetics (formerly Invitae), Labcorp
Classification: Uncertain significance for Dilated cardiomyopathy 1G; Autosomal recessive limb-girdle muscular dystrophy type 2J. Last evaluated: 2025-12-22. Review status: criteria provided, single submitter. Criteria: Invitae Variant Classification Sherloc (09022015). Collection method: clinical testing. Allele origin: germline.
Comment: This sequence change replaces threonine, which is neutral and polar, with alanine, which is neutral and non-polar, at codon 35370 of the TTN protein (p.Thr35370Ala). This variant is present in population databases (no rsID available, gnomAD 0.002%). This variant has not been reported in the literature in individuals affected with TTN-related conditions. ClinVar contains an entry for this variant (Variation ID: 1761050). Experimental studies and prediction algorithms are not available or were not evaluated, and the functional significance of this variant is currently unknown. This variant is located in the M band of TTN (PMID: 25589632). Non-truncating variants in this region may be relevant for neuromuscular disorders, but have not been definitively shown to cause cardiomyopathy (PMID: 23975875). In summary, the available evidence is currently insufficient to determine the role of this variant in disease. Therefore, it has been classified as a Variant of Uncertain Significance.

Mayo Clinic Laboratories, Mayo Clinic
Classification: Uncertain significance. Last evaluated: 2025-07-02. Review status: criteria provided, single submitter. Criteria: ACMG Guidelines, 2015. Collection method: clinical testing. Allele origin: germline. Observed: 1 variant allele.
Comment: BP4_moderate, PM2_supporting

Ambry Genetics
Classification: Uncertain significance for Cardiovascular phenotype. Last evaluated: 2019-09-24. Review status: criteria provided, single submitter. Criteria: Ambry Variant Classification Scheme 2023. Collection method: clinical testing. Allele origin: germline.
Comment: The p.T26305A variant (also known as c.78913A>G), located in coding exon 185 of the TTN gene, results from an A to G substitution at nucleotide position 78913. The threonine at codon 26305 is replaced by alanine, an amino acid with similar properties. This amino acid position is well conserved in available vertebrate species. In addition, this alteration is predicted to be tolerated by in silico analysis. Since supporting evidence is limited at this time, the clinical significance of this alteration remains unclear.

Literature cited by the submitters: PubMed 25589632 (cited by Labcorp Genetics (formerly Invitae), Labcorp); PubMed 23975875 (cited by Labcorp Genetics (formerly Invitae), Labcorp).